The following is an entry in ClinVar:

ClinVar aggregate classification (germline): Uncertain significance (1 of 4 stars; one submission).

Conditions:
Inborn genetic diseases. Identifiers: MedGen C0950123, MeSH D030342.

Submission:

Ambry Genetics
Classification: Uncertain significance for Inborn genetic diseases. Last evaluated: 2025-08-25. Review status: criteria provided, single submitter. Criteria: Ambry Variant Classification Scheme 2023. Collection method: clinical testing. Allele origin: germline.
Comment: The p.P96A variant (also known as c.286C>G), located in coding exon 1 of the SAMD9 gene, results from a C to G substitution at nucleotide position 286. The proline at codon 96 is replaced by alanine, an amino acid with highly similar properties. This amino acid position is conserved. In addition, this alteration is predicted to be tolerated by in silico analysis. Based on the available evidence, the clinical significance of this variant remains unclear.

NM_017654.4(SAMD9):c.286C>G (p.Pro96Ala)

Gene: SAMD9 (sterile alpha motif domain containing 9; minus strand). Cytogenetic location: 7q21.2.
Variant type: single nucleotide variant.
Coding change: c.286C>G on transcript NM_017654.4 (MANE Select); coding-DNA position 286, C replaced by G.
Protein change: p.Pro96Ala; replaces proline 96 with alanine.
Molecular consequence: missense variant.
Genome position (GRCh38, 1-based): chr7:93,105,812, G>C on the plus strand (C>G on the coding strand, the complement: SAMD9 is on the minus strand). VCF-style: chr7-93105812-G-C. GRCh37 (hg19) VCF-style: chr7-92735125-G-C.
Other names: c.286C>G, p.Pro96Ala (NM_001193307.2); short protein forms P96A.
Identifiers: ClinVar variation 4159189 (VCV004159189.1).